The following is an entry in ClinVar:

NM_015506.3(MMACHC):c.137C>G (p.Pro46Arg)

Gene: MMACHC (metabolism of cobalamin associated C; plus strand). Cytogenetic location: 1p34.1.
Variant type: single nucleotide variant.
Coding change: c.137C>G on transcript NM_015506.3 (MANE Select); coding-DNA position 137, C replaced by G.
Protein change: p.Pro46Arg; replaces proline 46 with arginine.
Molecular consequence: missense variant. On other transcripts: 5 prime UTR variant (1).
Genome position (GRCh38, 1-based): chr1:45,507,411, C>G. VCF-style: chr1-45507411-C-G. GRCh37 (hg19) VCF-style: chr1-45973083-C-G.
Other names: c.-35C>G (NM_001330540.2); short protein forms P46R.
Identifiers: ClinVar variation 1419294 (VCV001419294.4), dbSNP rs2149323209, ClinGen allele CA340131479.

ClinVar aggregate classification (germline): Uncertain significance (1 of 4 stars; one submission).

Conditions:
Cobalamin C disease. Also called: Methylmalonic aciduria with homocystinuria cblC type; Cobalamin-C methylmalonic acidemia and homocystinuria; Methylmalonic acidemia and homocystinuria cblC type; methylmalonic aciduria and homocystinuria type cblC; Methylmalonic aciduria and homocystinuria, Vitamin B12-responsive; Vitamin B12 metabolic defect with combined deficiency of methylmalonyl-CoA mutase and homocysteine:methyltetrahydrofolate methyltransferase. Identifiers: Orphanet 26, Orphanet 79282, MedGen C1848561, MONDO:0010184, OMIM 277400.

gnomAD v4.1: 3 of 1,614,166 alleles (0.00019%); highest among the groups gnomAD compares: Non-Finnish European, 0.00025%; no homozygotes.

Submission:

Labcorp Genetics (formerly Invitae), Labcorp
Classification: Uncertain significance for Cobalamin C disease. Last evaluated: 2021-10-20. Review status: criteria provided, single submitter. Criteria: Invitae Variant Classification Sherloc (09022015). Collection method: clinical testing. Allele origin: germline.
Comment: In summary, the available evidence is currently insufficient to determine the role of this variant in disease. Therefore, it has been classified as a Variant of Uncertain Significance. Algorithms developed to predict the effect of sequence changes on RNA splicing suggest that this variant may create or strengthen a splice site. Algorithms developed to predict the effect of missense changes on protein structure and function are either unavailable or do not agree on the potential impact of this missense change (SIFT: "Tolerated"; PolyPhen-2: "Possibly Damaging"; Align-GVGD: "Class C0"). This variant has not been reported in the literature in individuals affected with MMACHC-related conditions. This variant is not present in population databases (ExAC no frequency). This sequence change replaces proline with arginine at codon 46 of the MMACHC protein (p.Pro46Arg). The proline residue is moderately conserved and there is a moderate physicochemical difference between proline and arginine.